The following is an entry in ClinVar:

NM_052854.4(CREB3L1):c.717G>A (p.Thr239=)

Gene: CREB3L1 (cAMP responsive element binding protein 3 like 1; plus strand). Cytogenetic location: 11p11.2.
Variant type: single nucleotide variant.
Coding change: c.717G>A on transcript NM_052854.4 (MANE Select); coding-DNA position 717, G replaced by A.
Protein change: p.Thr239=; no amino-acid change (threonine 239 retained).
Molecular consequence: synonymous variant.
Genome position (GRCh38, 1-based): chr11:46,311,153, G>A. VCF-style: chr11-46311153-G-A. GRCh37 (hg19) VCF-style: chr11-46332704-G-A.
Identifiers: ClinVar variation 715961 (VCV000715961.11), dbSNP rs369168458, ClinGen allele CA5961674.

ClinVar aggregate classification (germline): Likely benign. Review status: criteria provided, multiple submitters, no conflicts (2 of 4 stars). 3 submissions from 3 submitters: Likely benign (2). 1 of the submissions does not count toward it. Last evaluated 2025-12-17.

Conditions:
CREB3L1-related disorder. Also called: CREB3L1-related condition.

Allele frequency attached by ClinVar (database versions not stated): gnomAD 0.00005 and 0.00006; TOPMed 0.00006; gnomAD exomes 0.00007 and 0.00009; ESP Exome Variant Server 0.00008; ExAC 0.00010.
gnomAD v4.1: 121 of 1,601,048 alleles (0.0076%); highest among the groups gnomAD compares: Middle Eastern, 0.016%; no homozygotes.

Submissions (3):

Labcorp Genetics (formerly Invitae), Labcorp
Classification: Likely benign. Last evaluated: 2025-12-17. Review status: criteria provided, single submitter. Criteria: Invitae Variant Classification Sherloc (09022015). Collection method: clinical testing. Allele origin: germline.

Blueprint Genetics
Classification: Likely benign. Last evaluated: 2023-09-26. Review status: criteria provided, single submitter. Criteria: ACMG Guidelines, 2015. Collection method: clinical testing. Allele origin: germline.

PreventionGenetics, part of Exact Sciences
Classification: Likely benign for CREB3L1-related condition. Last evaluated: 2024-07-24. Review status: no assertion criteria provided. Collection method: clinical testing. Allele origin: germline. Not counted in ClinVar's aggregate classification.
Comment: This variant is classified as likely benign based on ACMG/AMP sequence variant interpretation guidelines (Richards et al. 2015 PMID: 25741868, with internal and published modifications).